The following is an entry in ClinVar:

NM_000338.3(SLC12A1):c.590_599del (p.Phe197fs)

Gene: SLC12A1 (solute carrier family 12 member 1; plus strand). Cytogenetic location: 15q21.1.
Variant type: Deletion.
Coding change: c.590_599del on transcript NM_000338.3 (MANE Select); coding-DNA positions 590 to 599, 10 bases deleted (TCATTCGCCT; older notation c.590_599delTCATTCGCCT).
Protein change: p.Phe197fs; shifts the reading frame from phenylalanine 197.
Molecular consequence: frameshift variant.
Genome position (GRCh38, 1-based): chr15:48,220,958-48,220,967, TCATTCGCCT deleted; deleting any 10 consecutive bases within chr15:48,220,956-48,220,967 gives the same sequence; the c. name uses the placement nearest the transcript's 3' end. VCF-style (leftmost placement, unchanged base first): chr15-48220955-TCTTCATTCGC-T. GRCh37 (hg19) VCF-style: chr15-48513152-TCTTCATTCGC-T.
Other names: c.590_599del, p.Phe197fs (NM_001184832.2, NM_001384136.1); short protein forms F197fs.
Identifiers: ClinVar variation 2636279 (VCV002636279.4), dbSNP rs776346805, ClinGen allele CA7546811.

ClinVar aggregate classification (germline): Pathogenic/Likely pathogenic. Review status: criteria provided, multiple submitters, no conflicts (2 of 4 stars). 2 submissions from 2 submitters: Pathogenic (1); Likely pathogenic (1). Last evaluated 2023-10-09.

Conditions:
SLC12A1-related disorder. Also called: SLC12A1-related condition.

Submissions (2):

PreventionGenetics, part of Exact Sciences
Classification: Likely pathogenic for SLC12A1-related condition. Last evaluated: 2023-10-09. Review status: criteria provided, single submitter. Criteria: ACMG Guidelines, 2015. Collection method: clinical testing. Allele origin: germline.
Comment: The SLC12A1 c.590_599del10 variant is predicted to result in a frameshift and premature protein termination (p.Phe197Serfs*16). To our knowledge, this variant has not been reported in the literature. This variant is reported in 0.0040% of alleles in individuals of African descent in gnomAD. Frameshift variants in SLC12A1 are expected to be pathogenic. Therefore we interpret c.590_599del (p.Phe197Serfs*16) as likely pathogenic.

Labcorp Genetics (formerly Invitae), Labcorp
Classification: Pathogenic. Last evaluated: 2023-03-14. Review status: criteria provided, single submitter. Criteria: Invitae Variant Classification Sherloc (09022015). Collection method: clinical testing. Allele origin: germline.
Comment: This sequence change creates a premature translational stop signal (p.Phe197Serfs*16) in the SLC12A1 gene. It is expected to result in an absent or disrupted protein product. Loss-of-function variants in SLC12A1 are known to be pathogenic (PMID: 8640224, 9585600, 19096086). This variant is present in population databases (rs776346805, gnomAD 0.004%). This variant has not been reported in the literature in individuals affected with SLC12A1-related conditions. For these reasons, this variant has been classified as Pathogenic.

Literature cited by the submitters: PubMed 8640224 (cited by Labcorp Genetics (formerly Invitae), Labcorp); PubMed 9585600 (cited by Labcorp Genetics (formerly Invitae), Labcorp); PubMed 19096086 (cited by Labcorp Genetics (formerly Invitae), Labcorp).